The following is an entry in ClinVar:

NM_002661.5(PLCG2):c.2324A>G (p.Lys775Arg)

Gene: PLCG2 (phospholipase C gamma 2; plus strand). Cytogenetic location: 16q23.3.
Variant type: single nucleotide variant.
Coding change: c.2324A>G on transcript NM_002661.5 (MANE Select); coding-DNA position 2324, A replaced by G.
Protein change: p.Lys775Arg; replaces lysine 775 with arginine.
Molecular consequence: missense variant.
Genome position (GRCh38, 1-based): chr16:81,923,501, A>G. VCF-style: chr16-81923501-A-G. GRCh37 (hg19) VCF-style: chr16-81957106-A-G.
Other names: short protein forms K775R.
Identifiers: ClinVar variation 440161 (VCV000440161.39), dbSNP rs142825971, ClinGen allele CA8194227.
Genomic context (GRCh38, chr16:81,923,501, plus strand): 5'-TCCTGTCCCTGGCCTGACCTTTTCCTTCTTGTTTTCCCTGAAAGCCTCAGAGAACCGTGA[A>G]AGCTCTGTATGACTACAAAGCCAAGCGAAGCGATGAGCTGAGCTTCTGCCGTGGTGCCCT-3'
Protein context (NP_002652.2, residues 765-785): INPSMPQRTV[Lys775Arg]ALYDYKAKRS

ClinVar aggregate classification (germline): Benign/Likely benign. Review status: criteria provided, multiple submitters, no conflicts (2 of 4 stars). 7 submissions from 7 submitters: Benign (1); Likely benign (5). 1 of the submissions does not count toward it. Last evaluated 2026-02-02.

Conditions:
Familial cold autoinflammatory syndrome 3 (FCAS3). Also called: ANTIBODY DEFICIENCY AND IMMUNE DYSREGULATION, PLCG2-ASSOCIATED; FAMILIAL ATYPICAL COLD URTICARIA. Identifiers: Orphanet 300359, MedGen C3280914, MONDO:0013766, OMIM 614468.
PLCG2-related disorder. Also called: PLCG2-related condition.

Allele frequency attached by ClinVar (database versions not stated): 1000 Genomes Project 30x 0.00109; 1000 Genomes Project 0.00120; ExAC 0.00136; gnomAD exomes 0.00136 and 0.00258; ESP Exome Variant Server 0.00174; gnomAD 0.00204.
gnomAD v4.1: 3,970 of 1,611,776 alleles (0.25%); highest among the groups gnomAD compares: Non-Finnish European, 0.3%; 15 homozygotes.

Submissions (9):

Labcorp Genetics (formerly Invitae), Labcorp
Classification: Benign for Familial cold autoinflammatory syndrome 3. Last evaluated: 2026-02-02. Review status: criteria provided, single submitter. Criteria: Invitae Variant Classification Sherloc (09022015). Collection method: clinical testing. Allele origin: germline.

Women's Health and Genetics/Laboratory Corporation of America, LabCorp
Classification: Likely benign. Last evaluated: 2025-07-29. Review status: criteria provided, single submitter. Criteria: LabCorp Variant Classification Summary - May 2015. Collection method: clinical testing. Allele origin: germline.

CeGaT Center for Human Genetics Tuebingen
Classification: Likely benign. Last evaluated: 2025-06-01. Review status: criteria provided, single submitter. Criteria: CeGaT Center For Human Genetics Tuebingen Variant Classification Criteria Version 2. Collection method: clinical testing. Allele origin: germline. Affected: yes. Observed: 4 variant alleles.
Comment: PLCG2: BS2

Blueprint Genetics
Classification: Likely benign. Last evaluated: 2024-11-18. Review status: criteria provided, single submitter. Criteria: ACMG Guidelines, 2015. Collection method: clinical testing. Allele origin: germline.

ARUP Laboratories, Molecular Genetics and Genomics, ARUP Laboratories
Classification: Likely benign. Last evaluated: 2023-11-29. Review status: criteria provided, single submitter. Criteria: ARUP Molecular Germline Variant Investigation Process 2024. Collection method: clinical testing. Allele origin: germline.

Breakthrough Genomics
Classification: Likely benign. Review status: criteria provided, single submitter. Criteria: ACMG Guidelines, 2015. Collection method: not provided. Allele origin: germline. Inheritance: Autosomal dominant inheritance. Affected: yes.

PreventionGenetics, part of Exact Sciences
Classification: Likely benign for PLCG2-related condition. Last evaluated: 2019-09-09. Review status: no assertion criteria provided. Collection method: clinical testing. Allele origin: germline. Not counted in ClinVar's aggregate classification.
Comment: This variant is classified as likely benign based on ACMG/AMP sequence variant interpretation guidelines (Richards et al. 2015 PMID: 25741868, with internal and published modifications).

Dr. Peter K. Rogan Lab, Western University
No classification provided (evidence only). Condition: Familial cancer of breast. Review status: no classification provided. Collection method: in vitro. Allele origin: not applicable. Functional consequence: skipped exon, retained intron. Not counted in ClinVar's aggregate classification.

Dr. Peter K. Rogan Lab, Western University
No classification provided (evidence only). Condition: Colon adenocarcinoma. Review status: no classification provided. Collection method: in vitro. Allele origin: not applicable. Functional consequence: retained intron. Not counted in ClinVar's aggregate classification.